The following is an entry in ClinVar:

ClinVar aggregate classification (germline): Pathogenic. Review status: reviewed by expert panel (3 of 4 stars). 8 submissions from 8 submitters: Pathogenic (1). 7 of the submissions do not count toward it. Last evaluated 2016-10-18.

Conditions:
Hereditary cancer-predisposing syndrome. Also called: Hereditary Cancer Syndrome; Hereditary neoplastic syndrome; Neoplastic Syndromes, Hereditary; Tumor predisposition. Identifiers: Orphanet 140162, MedGen C0027672, MeSH D009386, MONDO:0015356.
Breast-ovarian cancer, familial, susceptibility to, 1 (BROVCA1). Also called: BRCA1 Hereditary Breast and Ovarian Cancer; OVARIAN CANCER, SUSCEPTIBILITY TO. Identifiers: Orphanet 145, MedGen C2676676, MONDO:0011450, OMIM 604370. Disease mechanism: loss of function.
Hereditary breast ovarian cancer syndrome. Also called: BRCA1- and BRCA2-Associated Hereditary Breast and Ovarian Cancer; Hereditary breast and ovarian cancer syndrome; Hereditary breast and ovarian cancer syndrome (HBOC); Breast and ovarian cancer; Hereditary breast and/or ovarian cancer syndrome; Hereditary breast and ovarian cancer. Identifiers: Orphanet 145, MedGen C0677776, MeSH D061325, MONDO:0003582. Disease mechanism: loss of function.

Submissions (8):

Evidence-based Network for the Interpretation of Germline Mutant Alleles (ENIGMA)
Classification: Pathogenic for Breast-ovarian cancer, familial, susceptibility to, 1. Last evaluated: 2016-10-18. Review status: reviewed by expert panel. Criteria: ENIGMA BRCA1/2 Classification Criteria (2015). Collection method: curation. Allele origin: germline.
Comment: Variant allele predicted to encode a truncated non-functional protein.

Ambry Genetics
Classification: Pathogenic for Hereditary cancer-predisposing syndrome. Last evaluated: 2025-09-22. Review status: criteria provided, single submitter. Criteria: Ambry Variant Classification Scheme 2023. Collection method: clinical testing. Allele origin: germline. Not counted in ClinVar's aggregate classification.
Comment: The c.4136_4137delCT pathogenic mutation, located in coding exon 10 of the BRCA1 gene, results from a deletion of two nucleotides at nucleotide positions 4136 to 4137, causing a translational frameshift with a predicted alternate stop codon (p.S1379*). This variant has been reported in multiple families with hereditary breast and ovarian cancer (HBOC) syndrome (Li N. et al. Int. J. Gynecol. Cancer;16 (Suppl 1):172-8; Peixoto A. et al. Clin. Genet. 2015 Jul; 88(1):41-8). Of note, this variant is also known as 4255delCT in published literature. This alteration is expected to result in loss of function by premature protein truncation or nonsense-mediated mRNA decay. As such, this alteration is interpreted as a disease-causing mutation.

Labcorp Genetics (formerly Invitae), Labcorp
Classification: Pathogenic for Hereditary breast ovarian cancer syndrome. Last evaluated: 2024-08-28. Review status: criteria provided, single submitter. Criteria: Invitae Variant Classification Sherloc (09022015). Collection method: clinical testing. Allele origin: germline. Not counted in ClinVar's aggregate classification.
Comment: This sequence change creates a premature translational stop signal (p.Ser1379*) in the BRCA1 gene. It is expected to result in an absent or disrupted protein product. Loss-of-function variants in BRCA1 are known to be pathogenic (PMID: 20104584). This variant is not present in population databases (gnomAD no frequency). This premature translational stop signal has been observed in individual(s) with breast and/or ovarian cancer (PMID: 16515586, 24916970, 25556971, 27082205). It is commonly reported in individuals of Middle Eastern ancestry (PMID: 27082205). ClinVar contains an entry for this variant (Variation ID: 55112). For these reasons, this variant has been classified as Pathogenic.

Genomic Medicine Center of Excellence, King Faisal Specialist Hospital and Research Centre
Classification: Pathogenic for Breast-ovarian cancer, familial, susceptibility to, 1. Last evaluated: 2024-03-26. Review status: criteria provided, single submitter. Criteria: ACMG Guidelines, 2015. Collection method: clinical testing. Allele origin: germline. Not counted in ClinVar's aggregate classification.

GeneDx
Classification: Pathogenic. Last evaluated: 2022-09-15. Review status: criteria provided, single submitter. Criteria: GeneDx Variant Classification Process June 2021. Collection method: clinical testing. Allele origin: germline. Affected: yes. Not counted in ClinVar's aggregate classification.
Comment: Nonsense variant predicted to result in protein truncation or nonsense mediated decay in a gene for which loss of function is a known mechanism of disease; Not observed at significant frequency in large population cohorts (gnomAD); Truncating variants in this gene are considered pathogenic by a well-established clinical consortium and/or database; Also known as 4255_4256delCT; This variant is associated with the following publications: (PMID: 16515586, 27082205, 16826315, 24916970, 26295337, 30078507, 29297111, 30702160, 30199306, 30825404)

Quest Diagnostics Nichols Institute San Juan Capistrano
Classification: Pathogenic for Breast-ovarian cancer, familial, susceptibility to, 1. Last evaluated: 2015-10-07. Review status: criteria provided, single submitter. Criteria: Quest Diagnostics criteria. Collection method: clinical testing. Allele origin: germline. Inheritance: Autosomal dominant inheritance. Not counted in ClinVar's aggregate classification.

Consortium of Investigators of Modifiers of BRCA1/2 (CIMBA), c/o University of Cambridge
Classification: Pathogenic for Breast-ovarian cancer, familial, susceptibility to, 1. Last evaluated: 2015-10-02. Review status: criteria provided, single submitter. Criteria: CIMBA Mutation Classification guidelines May 2016. Collection method: clinical testing. Allele origin: germline. Not counted in ClinVar's aggregate classification.

KCCC/NGS Laboratory, Kuwait Cancer Control Center
Classification: Pathogenic for Breast-ovarian cancer, familial, susceptibility to, 1. Last evaluated: 2023-05-05. Review status: no assertion criteria provided. Collection method: clinical testing. Allele origin: germline. Affected: yes. Not counted in ClinVar's aggregate classification.
Comment: This sequence change creates a premature translational stop signal (p.Ser1379*) in the BRCA1 gene. It is expected to result in an absent or disrupted protein product. This variant is not present in population databases (genomAD). This variant has been observed in several individuals affected with breast and/or ovarian cancer (PMID: 16515586, 25556971, 24916970). Moreover, this variant has been identified as putative Middle Eastern founder mutation by haplotype analysis (PMID: 27082205). ClinVar contains an entry for this variant (Variation ID: 55112). Loss-of-function variants in BRCA1 are known to be pathogenic (PMID: 20104584). For these reasons, this variant has been classified as Pathogenic.

Literature cited by the submitters: PubMed 16515586 (cited by 3 submitters); PubMed 24916970 (cited by Ambry Genetics and Labcorp Genetics (formerly Invitae), Labcorp); PubMed 20104584 (cited by Labcorp Genetics (formerly Invitae), Labcorp and KCCC/NGS Laboratory, Kuwait Cancer Control Center); PubMed 25556971 (cited by Labcorp Genetics (formerly Invitae), Labcorp); PubMed 27082205 (cited by Labcorp Genetics (formerly Invitae), Labcorp); PubMed 26295337 (cited by Quest Diagnostics Nichols Institute San Juan Capistrano).

NM_007294.4(BRCA1):c.4136_4137del (p.Val1378_Ser1379insTer)

Gene: BRCA1 (BRCA1 DNA repair associated; minus strand). Cytogenetic location: 17q21.31.
Variant type: Microsatellite.
Coding change: c.4136_4137del on transcript NM_007294.4 (MANE Select); coding-DNA positions 4136 to 4137, 2 bases deleted (CT; older notation c.4136_4137delCT).
Protein change: p.Val1378_Ser1379insTer.
Molecular consequence: nonsense. On other transcripts: frameshift variant (366), non-coding transcript variant (1).
Genome position (GRCh38, 1-based): chr17:43,090,992-43,090,993, AG deleted on the plus strand (CT on the coding strand, the reverse complement: BRCA1 is on the minus strand); deleting any 2 consecutive bases within chr17:43,090,992-43,090,996 gives the same sequence; the c. name uses the placement nearest the transcript's 3' end. VCF-style (leftmost placement, unchanged base first): chr17-43090991-CAG-C. GRCh37 (hg19) VCF-style: chr17-41243008-CAG-C.
Other names: 4255delCT; c.4136_4137delCT (NM_007300.3, NM_007294.3); c.4007_4008TC[1], p.Ser1337Terfs (NM_001407689.1, NM_001407690.1, NM_001407691.1 and 11 more transcripts); c.3992_3993TC[1], p.Ser1332Terfs (NM_001407692.1, NM_001407694.1, NM_001407695.1 and 28 more transcripts); c.3989_3990TC[1], p.Ser1331Terfs (NM_001407740.1, NM_001407741.1, NM_001407742.1 and 20 more transcripts); c.3920_3921TC[1], p.Ser1308Terfs (NM_001407853.1, NM_001407894.1, NM_001407895.1 and 9 more transcripts); c.4133_4134TC[1], p.Ser1379Terfs (NM_001407854.1, NM_001407858.1, NM_001407859.1 and 29 more transcripts); c.4130_4131TC[1], p.Ser1378Terfs (NM_001407860.1, NM_001407861.1, NM_001407587.1 and 22 more transcripts); and 46 more.
Identifiers: ClinVar variation 55112 (VCV000055112.27), dbSNP rs397509141, ClinGen allele CA002654.